The following is an entry in ClinVar:

NM_000135.4(FANCA):c.1096C>G (p.Leu366Val)

Gene: FANCA (FA complementation group A; minus strand). Cytogenetic location: 16q24.3.
Variant type: single nucleotide variant.
Coding change: c.1096C>G on transcript NM_000135.4 (MANE Select); coding-DNA position 1096, C replaced by G.
Protein change: p.Leu366Val; replaces leucine 366 with valine.
Molecular consequence: missense variant.
Genome position (GRCh38, 1-based): chr16:89,792,056, G>C on the plus strand (C>G on the coding strand, the complement: FANCA is on the minus strand). VCF-style: chr16-89792056-G-C. GRCh37 (hg19) VCF-style: chr16-89858464-G-C.
Other names: c.1096C>G, p.Leu366Val (NM_001286167.3); short protein forms L366V.
Identifiers: ClinVar variation 2067817 (VCV002067817.1), dbSNP rs754221782, ClinGen allele CA397466363.

ClinVar aggregate classification (germline): Uncertain significance (1 of 4 stars; one submission).

Conditions:
Fanconi anemia (FA). Also called: Fanconi's anemia. Identifiers: Orphanet 84, MedGen C0015625, MeSH D005199, MONDO:0019391.

gnomAD v4.1: 1 of 1,614,188 alleles (0.000062%); highest among the groups gnomAD compares: Non-Finnish European, 0.000085%; no homozygotes.

Submission:

Labcorp Genetics (formerly Invitae), Labcorp
Classification: Uncertain significance for Fanconi anemia. Last evaluated: 2022-08-22. Review status: criteria provided, single submitter. Criteria: Invitae Variant Classification Sherloc (09022015). Collection method: clinical testing. Allele origin: germline.
Comment: This sequence change replaces leucine, which is neutral and non-polar, with valine, which is neutral and non-polar, at codon 366 of the FANCA protein (p.Leu366Val). This variant is not present in population databases (gnomAD no frequency). This variant has not been reported in the literature in individuals affected with FANCA-related conditions. Advanced modeling of protein sequence and biophysical properties (such as structural, functional, and spatial information, amino acid conservation, physicochemical variation, residue mobility, and thermodynamic stability) performed at Invitae indicates that this missense variant is not expected to disrupt FANCA protein function. In summary, the available evidence is currently insufficient to determine the role of this variant in disease. Therefore, it has been classified as a Variant of Uncertain Significance.